The following is an entry in ClinVar:

ClinVar aggregate classification (germline): Benign/Likely benign. Review status: criteria provided, multiple submitters, no conflicts (2 of 4 stars). 2 submissions from 2 submitters: Benign (1); Likely benign (1). Last evaluated 2025-03-24.

Conditions:
TGIF1-related disorder. Also called: TGIF1-related condition.

Allele frequency attached by ClinVar (database versions not stated): gnomAD exomes 0.00005 and 0.00026; gnomAD 0.00009 and 0.00013; TOPMed 0.00010; ExAC 0.00021; 1000 Genomes Project 30x 0.00047; 1000 Genomes Project 0.00060.
gnomAD v4.1: 88 of 1,614,190 alleles (0.0055%); highest among the groups gnomAD compares: East Asian, 0.14%; 1 homozygote.

Submissions (2):

PreventionGenetics, part of Exact Sciences
Classification: Likely benign for TGIF1-related condition. Last evaluated: 2025-03-24. Review status: criteria provided, single submitter. Criteria: ACMG Guidelines, 2015. Collection method: clinical testing. Allele origin: germline.
Comment: This variant is classified as likely benign based on ACMG/AMP sequence variant interpretation guidelines (Richards et al. 2015 PMID: 25741868, with internal and published modifications).

Mendelics
Classification: Benign. Last evaluated: 2022-05-04. Review status: criteria provided, single submitter. Criteria: Mendelics Assertion Criteria 2019. Collection method: clinical testing. Allele origin: germline.

NM_003244.4(TGIF1):c.377T>C (p.Val126Ala)

Gene: TGIF1 (TGFB induced factor homeobox 1; plus strand). Cytogenetic location: 18p11.31.
Variant type: single nucleotide variant.
Coding change: c.377T>C on transcript NM_003244.4 (MANE Select); coding-DNA position 377, T replaced by C.
Protein change: p.Val126Ala; replaces valine 126 with alanine.
Molecular consequence: missense variant.
Genome position (GRCh38, 1-based): chr18:3,457,498, T>C. VCF-style: chr18-3457498-T-C. GRCh37 (hg19) VCF-style: chr18-3457496-T-C.
Other names: c.386T>C, p.Val129Ala (NM_001278682.2); c.377T>C, p.Val126Ala (NM_001278684.2, NM_173208.3); c.317T>C, p.Val106Ala (NM_001278686.3, NM_001374396.1, NM_001374397.1 and 5 more transcripts); c.419T>C, p.Val140Ala (NM_173207.4); c.377T>C (NM_003244.3); short protein forms V106A, V126A, V129A, V140A.
Identifiers: ClinVar variation 1686351 (VCV001686351.2), dbSNP rs199580307, ClinGen allele CA8875942.
Genomic context (GRCh38, chr18:3,457,498, plus strand): 5'-ATCAGTTCACAATTTCCCGCCGTGGGGCCAAGATTTCTGAAACGAGCTCTGTGGAGTCCG[T>C]GATGGGCATCAAAAACTTCATGCCAGCTCTAGAGGAGACCCCATTTCATTCCTGTACAGC-3'
Protein context (NP_003235.1, residues 116-136): KISETSSVES[Val126Ala]MGIKNFMPAL